The following is an entry in ClinVar:

ClinVar aggregate classification (germline): Uncertain significance. Review status: criteria provided, multiple submitters, no conflicts (2 of 4 stars). 3 submissions from 3 submitters: Uncertain significance (3). Last evaluated 2025-03-03.

Conditions:
Familial dysautonomia. Also called: FD; HSAN III. Identifiers: Orphanet 1764, MedGen C0013364, MONDO:0009131, OMIM 223900. Disease mechanism: loss of function.
Medulloblastoma (MDB). Also called: MEDULLOBLASTOMA PREDISPOSITION SYNDROME; Medulloblastoma, somatic. Identifiers: Orphanet 616, MedGen C0025149, MeSH D008527, MONDO:0007959, OMIM 155255, HP:0002885.

Allele frequency attached by ClinVar (database versions not stated): gnomAD 0.00001.

Submissions (3):

Ambry Genetics
Classification: Uncertain significance. Last evaluated: 2025-03-03. Review status: criteria provided, single submitter. Criteria: Ambry Variant Classification Scheme 2023. Collection method: clinical testing. Allele origin: germline.

Fulgent Genetics
Classification: Uncertain significance for Medulloblastoma; Familial dysautonomia. Last evaluated: 2024-04-01. Review status: criteria provided, single submitter. Criteria: ACMG Guidelines, 2015. Collection method: clinical testing. Allele origin: germline.

Labcorp Genetics (formerly Invitae), Labcorp
Classification: Uncertain significance. Last evaluated: 2021-08-26. Review status: criteria provided, single submitter. Criteria: Invitae Variant Classification Sherloc (09022015). Collection method: clinical testing. Allele origin: germline.
Comment: This sequence change replaces isoleucine with threonine at codon 35 of the ELP1 protein (p.Ile35Thr). The isoleucine residue is weakly conserved and there is a moderate physicochemical difference between isoleucine and threonine. This variant is not present in population databases (ExAC no frequency). This variant has not been reported in the literature in individuals affected with ELP1-related conditions. Algorithms developed to predict the effect of missense changes on protein structure and function are either unavailable or do not agree on the potential impact of this missense change (SIFT: "Tolerated"; PolyPhen-2: "Possibly Damaging"; Align-GVGD: "Class C0"). In summary, the available evidence is currently insufficient to determine the role of this variant in disease. Therefore, it has been classified as a Variant of Uncertain Significance.

NM_003640.5(ELP1):c.104T>C (p.Ile35Thr)

Gene: ELP1 (elongator acetyltransferase complex subunit 1; minus strand). Cytogenetic location: 9q31.3.
Variant type: single nucleotide variant.
Coding change: c.104T>C on transcript NM_003640.5 (MANE Select); coding-DNA position 104, T replaced by C.
Protein change: p.Ile35Thr; replaces isoleucine 35 with threonine.
Molecular consequence: missense variant. On other transcripts: 5 prime UTR variant (2).
Genome position (GRCh38, 1-based): chr9:108,931,043, A>G on the plus strand (T>C on the coding strand, the complement: ELP1 is on the minus strand). VCF-style: chr9-108931043-A-G. GRCh37 (hg19) VCF-style: chr9-111693323-A-G.
Other names: c.-239T>C (NM_001318360.2); c.-756T>C (NM_001330749.2); short protein forms I35T.
Identifiers: ClinVar variation 1800107 (VCV001800107.6), dbSNP rs1425599728, ClinGen allele CA374394889.
Genomic context (GRCh38, chr9:108,931,043, plus strand): 5'-CATCAGTAACTTACTTCTCTTGAGACAGGGTCTACTTCTATCAGGCCATGTTCTGAACCA[A>G]TGAGCACCGTCCCCTGTTCAGTTCGGAGAGAGAAGCACTGAGGATTCCCTGGACCTTGAA-3'
Protein context (NP_003631.2, residues 25-45): SLRTEQGTVL[Ile35Thr]GSEHGLIEVD